The following is an entry in ClinVar:

ClinVar aggregate classification (germline): Uncertain significance (1 of 4 stars; one submission).

gnomAD v4.1: 5 of 1,614,062 alleles (0.00031%); highest among the groups gnomAD compares: Non-Finnish European, 0.00042%; no homozygotes.

Submission:

Ambry Genetics
Classification: Uncertain significance. Last evaluated: 2025-07-31. Review status: criteria provided, single submitter. Criteria: Ambry Variant Classification Scheme 2023. Collection method: clinical testing. Allele origin: germline.
Comment: The p.T206I variant (also known as c.617C>T), located in coding exon 1 of the CDK12 gene, results from a C to T substitution at nucleotide position 617. The threonine at codon 206 is replaced by isoleucine, an amino acid with similar properties. This amino acid position is conserved. In addition, this alteration is predicted to be tolerated by in silico analysis. Based on the available evidence, the clinical significance of this variant remains unclear.

NM_016507.4(CDK12):c.617C>T (p.Thr206Ile)

Genes: CDK12 (cyclin dependent kinase 12; plus strand), LOC126862553 (CDK7 strongly-dependent group 2 enhancer GRCh37_chr17:37618166-37619365; plus strand). Cytogenetic location: 17q12.
Variant type: single nucleotide variant.
Coding change: c.617C>T on transcript NM_016507.4 (MANE Select); coding-DNA position 617, C replaced by T.
Protein change: p.Thr206Ile; replaces threonine 206 with isoleucine.
Molecular consequence: missense variant.
Genome position (GRCh38, 1-based): chr17:39,462,688, C>T. VCF-style: chr17-39462688-C-T. GRCh37 (hg19) VCF-style: chr17-37618941-C-T.
Other names: c.617C>T, p.Thr206Ile (NM_015083.4); short protein forms T206I.
Identifiers: ClinVar variation 4224320 (VCV004224320.1).